The following is an entry in ClinVar:

NM_001378964.1(CDON):c.634G>T (p.Val212Leu)

Gene: CDON (cell adhesion associated, oncogene regulated; minus strand). Cytogenetic location: 11q24.2.
Variant type: single nucleotide variant.
Coding change: c.634G>T on transcript NM_001378964.1 (MANE Select); coding-DNA position 634, G replaced by T.
Protein change: p.Val212Leu; replaces valine 212 with leucine.
Molecular consequence: missense variant.
Genome position (GRCh38, 1-based): chr11:126,018,336, C>A on the plus strand (G>T on the coding strand, the complement: CDON is on the minus strand). VCF-style: chr11-126018336-C-A. GRCh37 (hg19) VCF-style: chr11-125888231-C-A.
Other names: c.634G>T, p.Val212Leu (NM_001243597.3, NM_016952.6); short protein forms V212L.
Identifiers: ClinVar variation 663287 (VCV000663287.10), dbSNP rs1313305429, ClinGen allele CA383211177.
Genomic context (GRCh38, chr11:126,018,336, plus strand): 5'-CTTTTTATGAGGACTCTTCCTCTTCCAGTTACCATTATTCTCCCAAATACTTACGACTCA[C>A]AAGGAGCTTTCGGCCAATAGGTTCAACTTTTAATTGATGTGTGACAGGATTATAAGCTGC-3'
Protein context (NP_001365893.1, residues 202-222): KVEPIGRKLL[Val212Leu]SRPSSDDVHI

ClinVar aggregate classification (germline): Uncertain significance (1 of 4 stars; one submission).

Conditions:
Holoprosencephaly 11 (HPE11). Identifiers: Orphanet 2162, MedGen C3280215, MONDO:0013642, OMIM 614226.

Allele frequency attached by ClinVar (database versions not stated): gnomAD exomes below 0.00001.

Submission:

Labcorp Genetics (formerly Invitae), Labcorp
Classification: Uncertain significance for Holoprosencephaly 11. Last evaluated: 2019-05-29. Review status: criteria provided, single submitter. Criteria: Invitae Variant Classification Sherloc (09022015). Collection method: clinical testing. Allele origin: germline.
Comment: This sequence change replaces valine with leucine at codon 212 of the CDON protein (p.Val212Leu). The valine residue is highly conserved and there is a small physicochemical difference between valine and leucine. This variant is not present in population databases (ExAC no frequency). This variant has not been reported in the literature in individuals with CDON-related conditions. Algorithms developed to predict the effect of missense changes on protein structure and function (SIFT, PolyPhen-2, Align-GVGD) all suggest that this variant is likely to be disruptive, but these predictions have not been confirmed by published functional studies and their clinical significance is uncertain. In summary, the available evidence is currently insufficient to determine the role of this variant in disease. Therefore, it has been classified as a Variant of Uncertain Significance.